The following is an entry in ClinVar:

NM_000127.3(EXT1):c.521del (p.Asn173_Leu174insTer)

Gene: EXT1 (exostosin glycosyltransferase 1; minus strand). Cytogenetic location: 8q24.11.
Variant type: Deletion.
Coding change: c.521del on transcript NM_000127.3 (MANE Select); coding-DNA position 521, one base deleted (T; older notation c.521delT).
Protein change: p.Asn173_Leu174insTer.
Molecular consequence: nonsense.
Genome position (GRCh38, 1-based): chr8:118,110,526, A deleted on the plus strand (T on the coding strand, the reverse complement: EXT1 is on the minus strand); the first of 3 consecutive A bases (chr8:118,110,526-118,110,528); deleting any one gives the same sequence. VCF-style (leftmost placement, unchanged base first): chr8-118110525-CA-C. GRCh37 (hg19) VCF-style: chr8-119122764-CA-C.
Identifiers: ClinVar variation 495063 (VCV000495063.3), dbSNP rs1554601526, ClinGen allele CA658683538.

ClinVar aggregate classification (germline): Pathogenic (1 of 4 stars; one submission).

Conditions:
Exostoses, multiple, type 1 (EXT1). Also called: EXOSTOSES, MULTIPLE, TYPE I; Hereditary Multiple Osteochondromatosis, Type I. Identifiers: MedGen CN263289, MONDO:0007585, OMIM 133700.

Submission:

Center of Genomic medicine, Geneva, University Hospital of Geneva
Classification: Pathogenic for Exostoses, multiple, type 1. Last evaluated: 2017-10-30. Review status: criteria provided, single submitter. Criteria: ACMG Guidelines, 2015. Collection method: clinical testing. Allele origin: germline. Affected: yes.